The following is an entry in ClinVar:

ClinVar aggregate classification (germline): Uncertain significance (1 of 4 stars; one submission).

Conditions:
Ataxia-telangiectasia-like disorder (ATLD). Identifiers: MedGen C1858391, MONDO:0011457.

Submission:

Labcorp Genetics (formerly Invitae), Labcorp
Classification: Uncertain significance for Ataxia-telangiectasia-like disorder. Last evaluated: 2025-10-01. Review status: criteria provided, single submitter. Criteria: Invitae Variant Classification Sherloc (09022015). Collection method: clinical testing. Allele origin: germline.
Comment: This sequence change replaces asparagine, which is neutral and polar, with isoleucine, which is neutral and non-polar, at codon 639 of the MRE11 protein (p.Asn639Ile). This variant is not present in population databases (gnomAD no frequency). This variant has not been reported in the literature in individuals affected with MRE11-related conditions. ClinVar contains an entry for this variant (Variation ID: 2746929). An algorithm developed to predict the effect of missense changes on protein structure and function (PolyPhen-2) suggests that this variant is likely to be tolerated. In summary, the available evidence is currently insufficient to determine the role of this variant in disease. Therefore, it has been classified as a Variant of Uncertain Significance.

NM_005591.4(MRE11):c.1916A>T (p.Asn639Ile)

Gene: MRE11 (MRE11 double strand break repair nuclease; minus strand). Cytogenetic location: 11q21.
Variant type: single nucleotide variant.
Coding change: c.1916A>T on transcript NM_005591.4 (MANE Select); coding-DNA position 1916, A replaced by T.
Protein change: p.Asn639Ile; replaces asparagine 639 with isoleucine.
Molecular consequence: missense variant.
Genome position (GRCh38, 1-based): chr11:94,437,187, T>A on the plus strand (A>T on the coding strand, the complement: MRE11 is on the minus strand). VCF-style: chr11-94437187-T-A. GRCh37 (hg19) VCF-style: chr11-94170353-T-A.
Other names: c.1913A>T, p.Asn638Ile (NM_001330347.2); c.1832A>T, p.Asn611Ile (NM_005590.4); short protein forms N638I, N639I, N611I.
Identifiers: ClinVar variation 2746929 (VCV002746929.3), dbSNP rs1330456262, ClinGen allele CA382374618.